The following is an entry in ClinVar:

ClinVar aggregate classification (germline): Pathogenic/Likely pathogenic. Review status: criteria provided, multiple submitters, no conflicts (2 of 4 stars). 2 submissions from 2 submitters: Pathogenic (1); Likely pathogenic (1). Last evaluated 2026-02-26.

Conditions:
FOXP2-related disorder. Also called: FOXP2-related condition.

Submissions (2):

PreventionGenetics, part of Exact Sciences
Classification: Likely pathogenic for FOXP2-related condition. Last evaluated: 2026-02-26. Review status: criteria provided, single submitter. Criteria: ACMG Guidelines, 2015. Collection method: clinical testing. Allele origin: germline.
Comment: The FOXP2 c.367C>T variant is predicted to result in premature protein termination (p.Gln123*). To our knowledge, this variant has not been reported in the literature or in a large population database (gnomAD), indicating this variant is rare. Nonsense variants in FOXP2 are expected to be pathogenic. This variant is interpreted as likely pathogenic.

Labcorp Genetics (formerly Invitae), Labcorp
Classification: Pathogenic. Last evaluated: 2024-02-28. Review status: criteria provided, single submitter. Criteria: Invitae Variant Classification Sherloc (09022015). Collection method: clinical testing. Allele origin: germline.
Comment: This sequence change creates a premature translational stop signal (p.Gln123*) in the FOXP2 gene. It is expected to result in an absent or disrupted protein product. Loss-of-function variants in FOXP2 are known to be pathogenic (PMID: 15877281, 16984964, 23918746). This variant is not present in population databases (gnomAD no frequency). This variant has not been reported in the literature in individuals affected with FOXP2-related conditions. ClinVar contains an entry for this variant (Variation ID: 2024136). For these reasons, this variant has been classified as Pathogenic.

Literature cited by the submitters: PubMed 15877281 (cited by Labcorp Genetics (formerly Invitae), Labcorp); PubMed 16984964 (cited by Labcorp Genetics (formerly Invitae), Labcorp); PubMed 23918746 (cited by Labcorp Genetics (formerly Invitae), Labcorp).

NM_014491.4(FOXP2):c.367C>T (p.Gln123Ter)

Gene: FOXP2 (forkhead box P2; plus strand). Cytogenetic location: 7q31.1.
Variant type: single nucleotide variant.
Coding change: c.367C>T on transcript NM_014491.4 (MANE Select); coding-DNA position 367, C replaced by T.
Protein change: p.Gln123Ter; replaces glutamine 123 with a stop codon.
Molecular consequence: nonsense. On other transcripts: non-coding transcript variant (2).
Genome position (GRCh38, 1-based): chr7:114,628,648, C>T. VCF-style: chr7-114628648-C-T. GRCh37 (hg19) VCF-style: chr7-114268703-C-T.
Other names: c.367C>T, p.Gln123Ter (NM_001172766.3, NM_148899.3, NM_148900.4); c.442C>T, p.Gln148Ter (NM_001172767.2, NM_148898.4); c.-1034C>T (NM_001172777.1); c.367C>T (NM_014491.3); short protein forms Q123*, Q148*.
Identifiers: ClinVar variation 2024136 (VCV002024136.5), dbSNP rs2485304607, ClinGen allele CA368961254.